The following is an entry in ClinVar:

ClinVar aggregate classification (germline): Uncertain significance (1 of 4 stars; one submission).

Allele frequency attached by ClinVar (database versions not stated): gnomAD exomes below 0.00001.
gnomAD v4.1: 1 of 1,576,834 alleles (0.000063%); highest among the groups gnomAD compares: Non-Finnish European, 0.000086%; no homozygotes.

Submission:

Labcorp Genetics (formerly Invitae), Labcorp
Classification: Uncertain significance. Last evaluated: 2021-12-27. Review status: criteria provided, single submitter. Criteria: Invitae Variant Classification Sherloc (09022015). Collection method: clinical testing. Allele origin: germline.
Comment: In summary, the available evidence is currently insufficient to determine the role of this variant in disease. Therefore, it has been classified as a Variant of Uncertain Significance. This sequence change replaces threonine, which is neutral and polar, with isoleucine, which is neutral and non-polar, at codon 307 of the TYMP protein (p.Thr307Ile). This variant is not present in population databases (gnomAD no frequency). This variant has not been reported in the literature in individuals affected with TYMP-related conditions. Advanced modeling of protein sequence and biophysical properties (such as structural, functional, and spatial information, amino acid conservation, physicochemical variation, residue mobility, and thermodynamic stability) performed at Invitae indicates that this missense variant is not expected to disrupt TYMP protein function.

NM_001953.5(TYMP):c.920C>T (p.Thr307Ile)

Genes: TYMP (thymidine phosphorylase; minus strand), LOC130067862 (ATAC-STARR-seq lymphoblastoid silent region 13986; plus strand). Cytogenetic location: 22q13.33.
Variant type: single nucleotide variant.
Coding change: c.920C>T on transcript NM_001953.5 (MANE Select); coding-DNA position 920, C replaced by T.
Protein change: p.Thr307Ile; replaces threonine 307 with isoleucine.
Molecular consequence: missense variant.
Genome position (GRCh38, 1-based): chr22:50,526,584, G>A on the plus strand (C>T on the coding strand, the complement: TYMP is on the minus strand). VCF-style: chr22-50526584-G-A. GRCh37 (hg19) VCF-style: chr22-50965013-G-A.
Other names: c.920C>T, p.Thr307Ile (NM_001113755.3, NM_001113756.3, NM_001257988.1 and 1 more transcripts); short protein forms T307I.
Identifiers: ClinVar variation 1944518 (VCV001944518.5), dbSNP rs2522518036, ClinGen allele CA412198578.
Genomic context (GRCh38, chr22:50,526,584, plus strand): 5'-AGCGGGAAGCACCCCCCGCCGCCTCCGCTCCCCTACACCCCGTCCCCCTCACCGAGCGTG[G>A]TGACCAGGTCCCTTAAGTCTGGCGGGCCTGCGCCGTCCATGCAGAGCAGCGCCTCCTCCA-3'
Protein context (NP_001944.1, residues 297-317): AGPPDLRDLV[Thr307Ile]TLGGALLWLS